The following is an entry in ClinVar:

NM_002834.5(PTPN11):c.1380-4G>T

Gene: PTPN11 (protein tyrosine phosphatase non-receptor type 11; plus strand). Cytogenetic location: 12q24.13.
Variant type: single nucleotide variant.
Coding change: c.1380-4G>T on transcript NM_002834.5 (MANE Select); 4 bases into the intron before coding-DNA position 1380, G replaced by T.
Molecular consequence: intron variant.
Genome position (GRCh38, 1-based): chr12:112,488,439, G>T. VCF-style: chr12-112488439-G-T. GRCh37 (hg19) VCF-style: chr12-112926243-G-T.
Other names: c.1392-4G>T (NM_001330437.2); c.1377-4G>T (NM_001374625.1).
Identifiers: ClinVar variation 227884 (VCV000227884.13), dbSNP rs750640531, ClinGen allele CA6798782.

ClinVar aggregate classification (germline): Likely benign. Review status: criteria provided, multiple submitters, no conflicts (2 of 4 stars). 2 submissions from 2 submitters: Likely benign (2). Last evaluated 2025-11-06.

Conditions:
RASopathy. Also called: rasopathies; Noonan spectrum disorder. Identifiers: Orphanet 536391, MedGen C5555857, MONDO:0021060.

Allele frequency attached by ClinVar (database versions not stated): ExAC 0.00001; TOPMed 0.00001; gnomAD 0.00002.
gnomAD v4.1: 8 of 1,609,736 alleles (0.0005%); highest among the groups gnomAD compares: Admixed American, 0.0067%; no homozygotes.

Submissions (2):

Labcorp Genetics (formerly Invitae), Labcorp
Classification: Likely benign for RASopathy. Last evaluated: 2025-11-06. Review status: criteria provided, single submitter. Criteria: Invitae Variant Classification Sherloc (09022015). Collection method: clinical testing. Allele origin: germline.

Laboratory for Molecular Medicine, Mass General Brigham Personalized Medicine
Classification: Likely benign. Last evaluated: 2015-09-09. Review status: criteria provided, single submitter. Criteria: LMM Criteria. Collection method: clinical testing. Allele origin: germline. Observed: 1 variant allele.
Comment: c.1380-4G>T in intron 11 of PTPN11: This variant is not expected to have clinic al significance because a change at this position does not diverge from the spli ce consensus sequence and is therefore unlikely to impact splicing. Furthermore, splice variants are not a known mechanism of disease for Noonan syndrome and co mputational tools do not suggest an impact to splicing. It has been identified i n 1/66740 European chromosomes by the Exome Aggregation Consortium (ExAC; dbSNP rs750640531).